The following is an entry in ClinVar:

NM_000045.4(ARG1):c.80G>A (p.Gly27Asp)

Genes: ARG1 (arginase 1; plus strand), MED23 (mediator complex subunit 23; minus strand). Cytogenetic location: 6q23.2.
Variant type: single nucleotide variant.
Coding change: c.80G>A on transcript NM_000045.4 (MANE Select); coding-DNA position 80, G replaced by A.
Protein change: p.Gly27Asp; replaces glycine 27 with aspartic acid.
Molecular consequence: missense variant. On other transcripts: intron variant (2).
Genome position (GRCh38, 1-based): chr6:131,576,685, G>A. VCF-style: chr6-131576685-G-A. GRCh37 (hg19) VCF-style: chr6-131897825-G-A.
Other names: c.80G>A, p.Gly27Asp (NM_001369020.1, NM_001244438.2); c.4078-2390C>T (NM_001270521.2); c.4096-2390C>T (NM_015979.4); short protein forms G27D.
Identifiers: ClinVar variation 551041 (VCV000551041.12), dbSNP rs1326930389, ClinGen allele CA365649742.

ClinVar aggregate classification (germline): Pathogenic. Review status: criteria provided, multiple submitters, no conflicts (2 of 4 stars). 3 submissions from 3 submitters: Pathogenic (2). 1 of the submissions does not count toward it. Last evaluated 2025-06-20.

Conditions:
Arginase deficiency. Also called: ARGININEMIA; ARG1 DEFICIENCY; Arginase 1 Deficiency. Identifiers: Orphanet 90, MedGen C0268548, MONDO:0008814, OMIM 207800.

Allele frequency attached by ClinVar (database versions not stated): gnomAD exomes below 0.00001.
gnomAD v4.1: 2 of 1,614,072 alleles (0.00012%); highest among the groups gnomAD compares: East Asian, 0.0022%; no homozygotes.

Submissions (3):

Women's Health and Genetics/Laboratory Corporation of America, LabCorp
Classification: Pathogenic for Arginase deficiency. Last evaluated: 2025-06-20. Review status: criteria provided, single submitter. Criteria: LabCorp Variant Classification Summary - May 2015. Collection method: clinical testing. Allele origin: germline.
Comment: Variant summary: ARG1 c.80G>A (p.Gly27Asp) results in a non-conservative amino acid change in the encoded protein sequence. Algorithms developed to predict the effect of missense changes on protein structure and function all suggest that this variant is likely to be disruptive. The variant allele was found at a frequency of 4e-06 in 251258 control chromosomes. c.80G>A has been observed in individual(s) affected with Arginase Deficiency (Carvalho_2012, internal data). These data indicate that the variant is likely to be associated with disease. At least one publication reports arginase enzyme activity in a homozygous individual and found it was approximately 5% versus the mean activity of normal controls, suggesting the variant has a damaging impact on protein function (Carvalho_2012). The following publication has been ascertained in the context of this evaluation (PMID: 22959135). ClinVar contains an entry for this variant (Variation ID: 551041). Based on the evidence outlined above, the variant was classified as pathogenic.

Labcorp Genetics (formerly Invitae), Labcorp
Classification: Pathogenic for Arginase deficiency. Last evaluated: 2024-07-30. Review status: criteria provided, single submitter. Criteria: Invitae Variant Classification Sherloc (09022015). Collection method: clinical testing. Allele origin: germline.
Comment: This sequence change replaces glycine, which is neutral and non-polar, with aspartic acid, which is acidic and polar, at codon 27 of the ARG1 protein (p.Gly27Asp). This variant is present in population databases (no rsID available, gnomAD 0.006%). This missense change has been observed in individual(s) with arginase deficiency (PMID: 22959135; Invitae). In at least one individual the data is consistent with being in trans (on the opposite chromosome) from a pathogenic variant. It has also been observed to segregate with disease in related individuals. ClinVar contains an entry for this variant (Variation ID: 551041). Advanced modeling of protein sequence and biophysical properties (such as structural, functional, and spatial information, amino acid conservation, physicochemical variation, residue mobility, and thermodynamic stability) performed at Invitae indicates that this missense variant is expected to disrupt ARG1 protein function with a positive predictive value of 80%. For these reasons, this variant has been classified as Pathogenic.

Counsyl
Classification: Uncertain significance for Arginase deficiency. Last evaluated: 2017-03-08. Review status: no assertion criteria provided. Collection method: clinical testing. Allele origin: unknown. Not counted in ClinVar's aggregate classification.

Literature cited by the submitters: PubMed 22959135 (cited by 3 submitters).